The following is an entry in ClinVar:

ClinVar aggregate classification (germline): Uncertain significance. Review status: criteria provided, multiple submitters, no conflicts (2 of 4 stars). 2 submissions from 2 submitters: Uncertain significance (2). Last evaluated 2021-07-02.

Conditions:
Emery-Dreifuss muscular dystrophy 5, autosomal dominant (EDMD5). Also called: EMERY-DREIFUSS MUSCULAR DYSTROPHY 5. Identifiers: Orphanet 261, MedGen C2751805, MONDO:0013072, OMIM 612999.

Submissions (2):

Pittsburgh Clinical Genomics Laboratory, University of Pittsburgh Medical Center
Classification: Uncertain significance for Emery-Dreifuss muscular dystrophy 5, autosomal dominant. Last evaluated: 2021-07-02. Review status: criteria provided, single submitter. Criteria: ACMG Guidelines, 2015. Collection method: clinical testing. Allele origin: germline. Inheritance: Autosomal dominant inheritance. Affected: yes.
Comment: This sequence variant is a single nucleotide substitution (A>G) that results in a lysine to arginine amino acid change at position 4072 of the SYNE2 protein. This variant is not present in databases of clinically annotated variants (ClinVar) and is absent from control population datasets (gnomAD database 0 of approximately 250,000 alleles). This variant has not been reported in individuals with SYNE2-related disease in the literature, to our knowledge. Bioinformatic tools predict that this variant would be tolerated, and the Lys4072 residue is not well conserved across the mammalian species examined. Functiol studies examining the effect of this variant on protein structure or activity have not been performed, to our knowledge. At this time, there is insufficient evidence to determine if this variant is pathogenic or benign. Therefore, we consider this to be a variant of uncertain significance. ACMG Criteria: BP4, PM2

Revvity Omics, Revvity
Classification: Uncertain significance for Emery-Dreifuss muscular dystrophy 5, autosomal dominant. Last evaluated: 2019-06-10. Review status: criteria provided, single submitter. Criteria: ACMG Guidelines, 2015. Collection method: clinical testing. Allele origin: germline.

NM_182914.3(SYNE2):c.12215A>G (p.Lys4072Arg)

Gene: SYNE2 (spectrin repeat containing nuclear envelope protein 2; plus strand). Cytogenetic location: 14q23.2.
Variant type: single nucleotide variant.
Coding change: c.12215A>G on transcript NM_182914.3 (MANE Select); coding-DNA position 12215, A replaced by G.
Protein change: p.Lys4072Arg; replaces lysine 4072 with arginine.
Molecular consequence: missense variant.
Genome position (GRCh38, 1-based): chr14:64,098,055, A>G. VCF-style: chr14-64098055-A-G. GRCh37 (hg19) VCF-style: chr14-64564773-A-G.
Other names: c.12215A>G, p.Lys4072Arg (NM_015180.6); short protein forms K4072R.
Identifiers: ClinVar variation 2436852 (VCV002436852.4), dbSNP rs2548839593, ClinGen allele CA389952647.